The following is an entry in ClinVar:

ClinVar aggregate classification (germline): Uncertain significance (1 of 4 stars; one submission).

Conditions:
Dyskeratosis congenita, autosomal dominant 6 (DKCA6). Identifiers: Orphanet 3322, MedGen C4225284, MONDO:0014690, OMIM 616553.

Allele frequency attached by ClinVar (database versions not stated): gnomAD exomes below 0.00001.

Submission:

Labcorp Genetics (formerly Invitae), Labcorp
Classification: Uncertain significance for Dyskeratosis congenita, autosomal dominant 6. Last evaluated: 2021-02-15. Review status: criteria provided, single submitter. Criteria: Invitae Variant Classification Sherloc (09022015). Collection method: clinical testing. Allele origin: germline.
Comment: Algorithms developed to predict the effect of missense changes on protein structure and function are either unavailable or do not agree on the potential impact of this missense change (SIFT: "Deleterious"; PolyPhen-2: "Benign"; Align-GVGD: "Class C0"). In summary, the available evidence is currently insufficient to determine the role of this variant in disease. Therefore, it has been classified as a Variant of Uncertain Significance. This variant has not been reported in the literature in individuals with ACD-related conditions. This variant is not present in population databases (ExAC no frequency). This sequence change replaces alanine with proline at codon 68 of the ACD protein (p.Ala68Pro). The alanine residue is weakly conserved and there is a small physicochemical difference between alanine and proline.

NC_000016.10:g.67660277C>G

Gene: ACD (ACD shelterin complex subunit and telomerase recruitment factor; minus strand). Cytogenetic location: 16q22.1.
Variant type: single nucleotide variant.
Genome position: GRCh38 VCF-style: chr16-67660277-C-G. GRCh37 (hg19) VCF-style: chr16-67694180-C-G.
Identifiers: ClinVar variation 1364407 (VCV001364407.8), dbSNP rs776666988, ClinGen allele CA283218793.